The following is an entry in ClinVar:

NM_018249.6(CDK5RAP2):c.4556A>G (p.Asn1519Ser)

Gene: CDK5RAP2 (CDK5 regulatory subunit associated protein 2; minus strand). Cytogenetic location: 9q33.2.
Variant type: single nucleotide variant.
Coding change: c.4556A>G on transcript NM_018249.6 (MANE Select); coding-DNA position 4556, A replaced by G.
Protein change: p.Asn1519Ser; replaces asparagine 1519 with serine.
Molecular consequence: missense variant. On other transcripts: non-coding transcript variant (5).
Genome position (GRCh38, 1-based): chr9:120,409,175, T>C on the plus strand (A>G on the coding strand, the complement: CDK5RAP2 is on the minus strand). VCF-style: chr9-120409175-T-C. GRCh37 (hg19) VCF-style: chr9-123171453-T-C.
Other names: c.4556A>G, p.Asn1519Ser (NM_001011649.3); c.3866A>G, p.Asn1289Ser (NM_001272039.2); short protein forms N1519S, N1289S.
Identifiers: ClinVar variation 1033896 (VCV001033896.1), dbSNP rs747762605, ClinGen allele CA5213534.

ClinVar aggregate classification (germline): Uncertain significance (1 of 4 stars; one submission).

Conditions:
Microcephaly 3, primary, autosomal recessive. Identifiers: Orphanet 2512, MedGen C1858108, MONDO:0011488, OMIM 604804.

Allele frequency attached by ClinVar (database versions not stated): TOPMed below 0.00001; gnomAD 0.00001; gnomAD exomes 0.00001 and 0.00002; ExAC 0.00003.
gnomAD v4.1: 4 of 1,613,408 alleles (0.00025%); highest among the groups gnomAD compares: East Asian, 0.0089%; no homozygotes.

Submission:

Baylor Genetics
Classification: Uncertain significance for Microcephaly 3, primary, autosomal recessive. Last evaluated: 2018-05-08. Review status: criteria provided, single submitter. Criteria: ACMG Guidelines, 2015. Collection method: clinical testing. Allele origin: unknown. Affected: yes.
Comment: This variant was determined to be of uncertain significance according to ACMG Guidelines, 2015 [PMID:25741868].